The following is an entry in ClinVar:

NM_000051.4(ATM):c.2795A>G (p.Asp932Gly)

Gene: ATM (ATM serine/threonine kinase; plus strand). Cytogenetic location: 11q22.3.
Variant type: single nucleotide variant.
Coding change: c.2795A>G on transcript NM_000051.4 (MANE Select); coding-DNA position 2795, A replaced by G.
Protein change: p.Asp932Gly; replaces aspartic acid 932 with glycine.
Molecular consequence: missense variant.
Genome position (GRCh38, 1-based): chr11:108,268,566, A>G. VCF-style: chr11-108268566-A-G. GRCh37 (hg19) VCF-style: chr11-108139293-A-G.
Other names: c.2795A>G, p.Asp932Gly (NM_001351834.2); short protein forms D932G.
Identifiers: ClinVar variation 407596 (VCV000407596.7), dbSNP rs1060501623, ClinGen allele CA16613309.

ClinVar aggregate classification (germline): Uncertain significance. Review status: criteria provided, multiple submitters, no conflicts (2 of 4 stars). 2 submissions from 2 submitters: Uncertain significance (2). Last evaluated 2026-02-20.

Conditions:
Hereditary cancer-predisposing syndrome. Also called: Neoplastic Syndromes, Hereditary; Tumor predisposition; Hereditary neoplastic syndrome; Hereditary Cancer Syndrome. Identifiers: Orphanet 140162, MedGen C0027672, MeSH D009386, MONDO:0015356.
Ataxia-telangiectasia syndrome (AT). Also called: Ataxia-telangiectasia, complementation group D; Ataxia-telangiectasia, complementation group E; AT, COMPLEMENTATION GROUP C; ATAXIA-TELANGIECTASIA, COMPLEMENTATION GROUP A; ATAXIA-TELANGIECTASIA, FRESNO VARIANT; Ataxia-telangiectasia. Identifiers: Orphanet 100, MedGen C0004135, MONDO:0008840, OMIM 208900.

Submissions (2):

Ambry Genetics
Classification: Uncertain significance for Hereditary cancer-predisposing syndrome. Last evaluated: 2026-02-20. Review status: criteria provided, single submitter. Criteria: Ambry Variant Classification Scheme 2023. Collection method: clinical testing. Allele origin: germline.
Comment: The p.D932G variant (also known as c.2795A>G), located in coding exon 17 of the ATM gene, results from an A to G substitution at nucleotide position 2795. The aspartic acid at codon 932 is replaced by glycine, an amino acid with similar properties. In an assay testing ATM function, this variant showed a functionally normal result (Lee KS et al. Cell, 2025 Sep;188:5081-5099.e27). This amino acid position is well conserved in available vertebrate species. In addition, the in silico prediction for this alteration is inconclusive. Based on the available evidence, the clinical significance of this variant remains unclear.

Labcorp Genetics (formerly Invitae), Labcorp
Classification: Uncertain significance for Ataxia-telangiectasia syndrome. Last evaluated: 2021-08-28. Review status: criteria provided, single submitter. Criteria: Invitae Variant Classification Sherloc (09022015). Collection method: clinical testing. Allele origin: germline.
Comment: This sequence change replaces aspartic acid with glycine at codon 932 of the ATM protein (p.Asp932Gly). The aspartic acid residue is moderately conserved and there is a moderate physicochemical difference between aspartic acid and glycine. This variant is not present in population databases (ExAC no frequency). This variant has not been reported in the literature in individuals affected with ATM-related conditions. Algorithms developed to predict the effect of missense changes on protein structure and function (SIFT, PolyPhen-2, Align-GVGD) all suggest that this variant is likely to be tolerated. In summary, the available evidence is currently insufficient to determine the role of this variant in disease. Therefore, it has been classified as a Variant of Uncertain Significance.

Literature cited by the submitters: PubMed 40580951 (cited by Ambry Genetics).